The following is an entry in ClinVar:

NM_001077350.3(NPRL3):c.1160A>T (p.Glu387Val)

Genes: HBA-LCR (alpha-globin locus control region; plus strand), NPRL3 (NPR3 like, GATOR1 complex subunit; minus strand). Cytogenetic location: 16p13.3.
Variant type: single nucleotide variant.
Coding change: c.1160A>T on transcript NM_001077350.3 (MANE Select); coding-DNA position 1160, A replaced by T.
Protein change: p.Glu387Val; replaces glutamic acid 387 with valine.
Molecular consequence: missense variant.
Genome position (GRCh38, 1-based): chr16:92,597, T>A on the plus strand (A>T on the coding strand, the complement: NPRL3 is on the minus strand). VCF-style: chr16-92597-T-A. GRCh37 (hg19) VCF-style: chr16-142595-T-A.
Other names: c.623A>T, p.Glu208Val (NM_001039476.3); c.926A>T, p.Glu309Val (NM_001243247.2); c.1085A>T, p.Glu362Val (NM_001243248.2, NM_001243249.2); short protein forms E309V, E208V, E387V, E362V.
Identifiers: ClinVar variation 3688988 (VCV003688988.2).

ClinVar aggregate classification (germline): Uncertain significance (1 of 4 stars; one submission).

Conditions:
Epilepsy, familial focal, with variable foci 3 (FFEVF3). Identifiers: MedGen C4310708, MONDO:0014925, OMIM 617118.

gnomAD v4.1: 5 of 1,613,026 alleles (0.00031%); highest among the groups gnomAD compares: Non-Finnish European, 0.00042%; no homozygotes.

Submission:

Labcorp Genetics (formerly Invitae), Labcorp
Classification: Uncertain significance for Epilepsy, familial focal, with variable foci 3. Last evaluated: 2024-04-03. Review status: criteria provided, single submitter. Criteria: Invitae Variant Classification Sherloc (09022015). Collection method: clinical testing. Allele origin: germline.
Comment: This sequence change replaces glutamic acid, which is acidic and polar, with valine, which is neutral and non-polar, at codon 387 of the NPRL3 protein (p.Glu387Val). This variant is not present in population databases (gnomAD no frequency). This variant has not been reported in the literature in individuals affected with NPRL3-related conditions. Experimental studies and prediction algorithms are not available or were not evaluated, and the functional significance of this variant is currently unknown. Algorithms developed to predict the effect of sequence changes on RNA splicing suggest that this variant may disrupt the consensus splice site. In summary, the available evidence is currently insufficient to determine the role of this variant in disease. Therefore, it has been classified as a Variant of Uncertain Significance.